The following is an entry in ClinVar:

ClinVar aggregate classification (germline): Likely benign. Review status: criteria provided, multiple submitters, no conflicts (2 of 4 stars). 2 submissions from 2 submitters: Likely benign (2). Last evaluated 2026-09-01.

Allele frequency attached by ClinVar (database versions not stated): gnomAD 0.00004; gnomAD exomes 0.00007; ESP Exome Variant Server 0.00008; ExAC 0.00009.
gnomAD v4.1: 102 of 1,614,088 alleles (0.0063%); highest among the groups gnomAD compares: Middle Eastern, 0.56%; no homozygotes.

Submissions (2):

CeGaT Center for Human Genetics Tuebingen
Classification: Likely benign. Last evaluated: 2026-09-01. Review status: criteria provided, single submitter. Criteria: CeGaT Center For Human Genetics Tuebingen Variant Classification Criteria Version 2. Collection method: clinical testing. Allele origin: germline. Affected: yes. Observed: 2 variant alleles.
Comment: UBE3B: BP4, BP7

Labcorp Genetics (formerly Invitae), Labcorp
Classification: Likely benign. Last evaluated: 2026-01-19. Review status: criteria provided, single submitter. Criteria: Invitae Variant Classification Sherloc (09022015). Collection method: clinical testing. Allele origin: germline.

NM_130466.4(UBE3B):c.522G>A (p.Thr174=)

Gene: UBE3B (ubiquitin protein ligase E3B; plus strand). Cytogenetic location: 12q24.11.
Variant type: single nucleotide variant.
Coding change: c.522G>A on transcript NM_130466.4 (MANE Select); coding-DNA position 522, G replaced by A.
Protein change: p.Thr174=; no amino-acid change (threonine 174 retained).
Molecular consequence: synonymous variant.
Genome position (GRCh38, 1-based): chr12:109,488,646, G>A. VCF-style: chr12-109488646-G-A. GRCh37 (hg19) VCF-style: chr12-109926451-G-A.
Other names: c.522G>A, p.Thr174= (NM_001270449.2, NM_001270450.2, NM_001270451.2 and 1 more transcripts).
Identifiers: ClinVar variation 2056891 (VCV002056891.22), dbSNP rs61739922, ClinGen allele CA6777543.